The following is an entry in ClinVar:

NM_004329.3(BMPR1A):c.750G>A (p.Met250Ile)

Gene: BMPR1A (bone morphogenetic protein receptor type 1A; plus strand). Cytogenetic location: 10q23.2.
Variant type: single nucleotide variant.
Coding change: c.750G>A on transcript NM_004329.3 (MANE Select); coding-DNA position 750, G replaced by A.
Protein change: p.Met250Ile; replaces methionine 250 with isoleucine.
Molecular consequence: missense variant.
Genome position (GRCh38, 1-based): chr10:86,917,208, G>A. VCF-style: chr10-86917208-G-A. GRCh37 (hg19) VCF-style: chr10-88676965-G-A.
Other names: short protein forms M250I.
Identifiers: ClinVar variation 619618 (VCV000619618.7), dbSNP rs1564723388, ClinGen allele CA377457551.

ClinVar aggregate classification (germline): Uncertain significance. Review status: criteria provided, multiple submitters, no conflicts (2 of 4 stars). 4 submissions from 4 submitters: Uncertain significance (4). Last evaluated 2025-08-17.

Conditions:
Hereditary cancer-predisposing syndrome. Also called: Tumor predisposition; Neoplastic Syndromes, Hereditary; Hereditary Cancer Syndrome; Hereditary neoplastic syndrome. Identifiers: Orphanet 140162, MedGen C0027672, MeSH D009386, MONDO:0015356.
Juvenile polyposis syndrome (JPS). Identifiers: Orphanet 2929, MedGen C0345893, MONDO:0017380, OMIM 174900.

Submissions (4):

Labcorp Genetics (formerly Invitae), Labcorp
Classification: Uncertain significance for Juvenile polyposis syndrome. Last evaluated: 2025-08-17. Review status: criteria provided, single submitter. Criteria: Invitae Variant Classification Sherloc (09022015). Collection method: clinical testing. Allele origin: germline.
Comment: This sequence change replaces methionine, which is neutral and non-polar, with isoleucine, which is neutral and non-polar, at codon 250 of the BMPR1A protein (p.Met250Ile). This variant is not present in population databases (gnomAD no frequency). This variant has not been reported in the literature in individuals affected with BMPR1A-related conditions. ClinVar contains an entry for this variant (Variation ID: 619618). Invitae Evidence Modeling of protein sequence and biophysical properties (such as structural, functional, and spatial information, amino acid conservation, physicochemical variation, residue mobility, and thermodynamic stability) indicates that this missense variant is not expected to disrupt BMPR1A protein function with a negative predictive value of 80%. In summary, the available evidence is currently insufficient to determine the role of this variant in disease. Therefore, it has been classified as a Variant of Uncertain Significance.

Color Diagnostics, LLC DBA Color Health
Classification: Uncertain significance for Hereditary cancer-predisposing syndrome. Last evaluated: 2025-07-08. Review status: criteria provided, single submitter. Criteria: ACMG Guidelines, 2015. Collection method: clinical testing. Allele origin: germline.
Comment: This missense variant replaces methionine with isoleucine at codon 250 of the BMPR1A protein. Computational prediction is inconclusive regarding the impact of this variant on protein structure and function. To our knowledge, functional studies have not been reported for this variant. This variant has not been reported in individuals affected with BMPR1A-related disorders in the literature. This variant has not been identified in the general population by the Genome Aggregation Database (gnomAD). The available evidence is insufficient to determine the role of this variant in disease conclusively. Therefore, this variant is classified as a Variant of Uncertain Significance.

Ambry Genetics
Classification: Uncertain significance for Hereditary cancer-predisposing syndrome. Last evaluated: 2025-03-15. Review status: criteria provided, single submitter. Criteria: Ambry Variant Classification Scheme 2023. Collection method: clinical testing. Allele origin: germline.
Comment: The p.M250I variant (also known as c.750G>A), located in coding exon 7 of the BMPR1A gene, results from a G to A substitution at nucleotide position 750. The methionine at codon 250 is replaced by isoleucine, an amino acid with highly similar properties. This amino acid position is conserved. In addition, the in silico prediction for this alteration is inconclusive. Based on the available evidence, the clinical significance of this variant remains unclear.

Quest Diagnostics Nichols Institute San Juan Capistrano
Classification: Uncertain significance. Last evaluated: 2018-02-21. Review status: criteria provided, single submitter. Criteria: Quest Diagnostics criteria. Collection method: clinical testing. Allele origin: germline.